The following is an entry in ClinVar:

ClinVar aggregate classification (germline): Conflicting classifications of pathogenicity. Review status: criteria provided, conflicting classifications (1 of 4 stars). 3 submissions from 3 submitters: Uncertain significance (2); Likely benign (1). Last evaluated 2026-05-11.

Conditions:
ABCA4-related disorder. Also called: ABCA4-related condition; ABCA4-related disorders. Identifiers: MedGen CN239167.

Allele frequency attached by ClinVar (database versions not stated): ESP Exome Variant Server 0.00054; gnomAD exomes 0.00007 and 0.00012; ExAC 0.00015; 1000 Genomes Project 30x 0.00016; 1000 Genomes Project 0.00020; gnomAD 0.00036 and 0.00037; TOPMed 0.00039.
gnomAD v4.1: 158 of 1,613,908 alleles (0.0098%); highest among the groups gnomAD compares: African/African-American, 0.11%; no homozygotes.

Submissions (3):

PreventionGenetics, part of Exact Sciences
Classification: Uncertain significance for ABCA4-related condition. Last evaluated: 2026-05-11. Review status: criteria provided, single submitter. Criteria: ACMG Guidelines, 2015. Collection method: clinical testing. Allele origin: germline.
Comment: The ABCA4 c.5992G>A variant is predicted to result in the amino acid substitution p.Val1998Ile. To our knowledge, this variant has not been reported in the literature. This variant is reported in 0.13% of alleles in individuals of African descent in gnomAD, which may be too frequent to be a primary cause of disease. Although we suspect that this variant may be benign, at this time, the clinical significance of this variant is uncertain due to the absence of conclusive functional and genetic evidence.

Labcorp Genetics (formerly Invitae), Labcorp
Classification: Likely benign. Last evaluated: 2025-12-22. Review status: criteria provided, single submitter. Criteria: Invitae Variant Classification Sherloc (09022015). Collection method: clinical testing. Allele origin: germline.

Blueprint Genetics
Classification: Uncertain significance. Last evaluated: 2024-06-10. Review status: criteria provided, single submitter. Criteria: ACMG Guidelines, 2015. Collection method: clinical testing. Allele origin: germline.

NM_000350.3(ABCA4):c.5992G>A (p.Val1998Ile)

Gene: ABCA4 (ATP binding cassette subfamily A member 4; minus strand). Cytogenetic location: 1p22.1.
Variant type: single nucleotide variant.
Coding change: c.5992G>A on transcript NM_000350.3 (MANE Select); coding-DNA position 5992, G replaced by A.
Protein change: p.Val1998Ile; replaces valine 1998 with isoleucine.
Molecular consequence: missense variant.
Genome position (GRCh38, 1-based): chr1:94,007,647, C>T on the plus strand (G>A on the coding strand, the complement: ABCA4 is on the minus strand). VCF-style: chr1-94007647-C-T. GRCh37 (hg19) VCF-style: chr1-94473203-C-T.
Other names: c.5770G>A, p.Val1924Ile (NM_001425324.1); short protein forms V1998I, V1924I.
Identifiers: ClinVar variation 835388 (VCV000835388.13), dbSNP rs147870733, ClinGen allele CA957054.